The following is an entry in ClinVar:

ClinVar aggregate classification (germline): Pathogenic (1 of 4 stars; one submission).

Submission:

CeGaT Center for Human Genetics Tuebingen
Classification: Pathogenic. Last evaluated: 2026-07-01. Review status: criteria provided, single submitter. Criteria: CeGaT Center For Human Genetics Tuebingen Variant Classification Criteria Version 2. Collection method: clinical testing. Allele origin: germline. Affected: yes. Observed: 1 variant allele.
Comment: TRIO: PVS1, PM2

NM_007118.4(TRIO):c.5351_5361del (p.Leu1784fs)

Gene: TRIO (trio Rho guanine nucleotide exchange factor; plus strand). Cytogenetic location: 5p15.2.
Variant type: Deletion.
Coding change: c.5351_5361del on transcript NM_007118.4 (MANE Select); coding-DNA positions 5351 to 5361, 11 bases deleted (TCAGCAGCGGC).
Protein change: p.Leu1784fs; shifts the reading frame from leucine 1784.
Molecular consequence: frameshift variant. On other transcripts: non-coding transcript variant (1).
Genome position (GRCh38, 1-based): chr5:14,461,166-14,461,176, TCAGCAGCGGC deleted; deleting any 11 consecutive bases within chr5:14,461,161-14,461,176 gives the same sequence; the c. name uses the placement nearest the transcript's 3' end. VCF-style (leftmost placement, unchanged base first): chr5-14461160-GGCGGCTCAGCA-G. GRCh37 (hg19) VCF-style: chr5-14461269-GGCGGCTCAGCA-G.
Other names: short protein forms L1784fs.
Identifiers: ClinVar variation 5039979 (VCV005039979.1).